The following is an entry in ClinVar:

NM_001754.5(RUNX1):c.356dup (p.Ala120fs)

Genes: RUNX1 (RUNX family transcription factor 1; minus strand), RUNX1-AS1 (RUNX1 antisense RNA 1; plus strand). Cytogenetic location: 21q22.12.
Variant type: Duplication.
Coding change: c.356dup on transcript NM_001754.5 (MANE Select); coding-DNA position 356, one base duplicated (T; older notation c.356dupT).
Protein change: p.Ala120fs; shifts the reading frame from alanine 120.
Molecular consequence: frameshift variant.
Genome position (GRCh38, 1-based): chr21:34,880,709, A duplicated on the plus strand (T on the coding strand, the reverse complement: RUNX1 is on the minus strand). VCF-style (leftmost placement, unchanged base first): chr21-34880708-C-CA. GRCh37 (hg19) VCF-style: chr21-36253005-C-CA.
Other names: NM_001754.5(RUNX1):c.356dup; p.Ala120fs; c.275dup, p.Ala93fs (NM_001001890.3, NM_001122607.2); short protein forms A120fs, A93fs.
Identifiers: ClinVar variation 2746077 (VCV002746077.4), dbSNP rs2517441155, ClinGen allele CA645607413.

ClinVar aggregate classification (germline): Likely pathogenic. Review status: reviewed by expert panel (3 of 4 stars). 2 submissions from 2 submitters: Likely pathogenic (1). 1 of the submissions does not count toward it. Last evaluated 2024-08-28.

Conditions:
Hereditary thrombocytopenia and hematological cancer predisposition syndrome associated with RUNX1. Also called: Familial Platelet Disorder with Propensity to Acute Myelogenous Leukemia; Familial thrombocytopenia with propensity to acute myelogenous leukemia; PLATELET DISORDER, ASPIRIN-LIKE; RUNX1 Familial Platelet Disorder with Associated Myeloid Malignancies. Identifiers: Orphanet 71290, MedGen C1832388, MeSH C563324, MONDO:0100083, OMIM 601399.
Hereditary thrombocytopenia and hematologic cancer predisposition syndrome. Identifiers: Orphanet 71290, MedGen CN281654, MONDO:0011071.

Submissions (2):

ClinGen Myeloid Malignancy Variant Curation Expert Panel
Classification: Likely pathogenic for Hereditary thrombocytopenia and hematologic cancer predisposition syndrome. Last evaluated: 2024-08-28. Review status: reviewed by expert panel. Criteria: ClinGen MyeloMalig ACMG Specifications v2. Collection method: curation. Allele origin: germline. Inheritance: Autosomal dominant inheritance.
Comment: NM_001754.5(RUNX1):c.356dup (p.Ala120GlyfsTer18) is a frameshift variant which is not predicted to undergo nonsense-mediated decay (NMD), and the truncated/altered region is critical for protein function (PVS1_Strong). This variant is downstream of c.98 (PM5_supporting). It is completely absent from all population databases with at least 20x coverage for RUNX1 (PM2_supporting). This variant has been reported in at least two probands meeting RUNX1-phenotypic criteria (PS4_Moderate). In summary, this variant meets criteria to be classified as likely pathogenic. ACMG/AMP criteria applied, as specified by the Myeloid Malignancy Variant Curation Expert Panel for RUNX1: PVS1_Strong, PM5_supporting, PM2_supporting, PS4_Moderate.

Labcorp Genetics (formerly Invitae), Labcorp
Classification: Pathogenic for Hereditary thrombocytopenia and hematological cancer predisposition syndrome associated with RUNX1. Last evaluated: 2023-08-18. Review status: criteria provided, single submitter. Criteria: Invitae Variant Classification Sherloc (09022015). Collection method: clinical testing. Allele origin: germline. Not counted in ClinVar's aggregate classification.
Comment: This sequence change creates a premature translational stop signal (p.Ala120Glyfs*18) in the RUNX1 gene. It is expected to result in an absent or disrupted protein product. Loss-of-function variants in RUNX1 are known to be pathogenic (PMID: 18723428, 24100448). This variant is not present in population databases (gnomAD no frequency). This variant has not been reported in the literature in individuals affected with RUNX1-related conditions. For these reasons, this variant has been classified as Pathogenic.

Literature cited by the submitters: PubMed 18723428 (cited by Labcorp Genetics (formerly Invitae), Labcorp); PubMed 24100448 (cited by Labcorp Genetics (formerly Invitae), Labcorp).